The following is an entry in ClinVar:

NM_000348.4(SRD5A2):c.*259T>C

Gene: SRD5A2 (steroid 5 alpha-reductase 2; minus strand). Cytogenetic location: 2p23.1.
Variant type: single nucleotide variant.
Coding change: c.*259T>C on transcript NM_000348.4 (MANE Select); 259 bases downstream of the stop codon, T replaced by C.
Molecular consequence: 3 prime UTR variant.
Genome position (GRCh38, 1-based): chr2:31,525,937, A>G on the plus strand (T>C on the coding strand, the complement: SRD5A2 is on the minus strand). VCF-style: chr2-31525937-A-G. GRCh37 (hg19) VCF-style: chr2-31751007-A-G.
Identifiers: ClinVar variation 97415 (VCV000097415.6), dbSNP rs61750400, ClinGen allele CA224924.
Genomic context (GRCh38, chr2:31,525,937, plus strand): 5'-GCCACATGTACTTGGATTGCCCGGTGAAAGACATAGGAGAAGTTTGTACTTTCTCAGAGC[A>G]ATAGCTAAGAAGCAACTGTCGCCATTTGGAAAAGTGGCTTTTTGAAGCTTCAGTTGGGGA-3'

ClinVar aggregate classification (germline): Benign. Review status: criteria provided, multiple submitters, no conflicts (2 of 4 stars). 3 submissions from 3 submitters: Benign (2). 1 of the submissions does not count toward it. Last evaluated 2017-04-27.

Conditions:
3-Oxo-5 alpha-steroid delta 4-dehydrogenase deficiency (PPSH). Also called: 46,XY disorder of sex development due to 5-alpha-reductase 2 deficiency; PSEUDOVAGINAL PERINEOSCROTAL HYPOSPADIAS; FAMILIAL INCOMPLETE MALE PSEUDOHERMAPHRODITISM, TYPE 2; MALE PSEUDOHERMAPHRODITISM DUE TO 5-ALPHA-REDUCTASE DEFICIENCY. Identifiers: Orphanet 753, MedGen C0268297, MONDO:0009923, OMIM 264600. Disease mechanism: loss of function.

Allele frequency attached by ClinVar (database versions not stated): gnomAD exomes 0.00089; 1000 Genomes Project 30x 0.00578; 1000 Genomes Project 0.00579; gnomAD 0.00608 and 0.00652; TOPMed 0.00653.
gnomAD v4.1: 1,137 of 388,266 alleles (0.29%); highest among the groups gnomAD compares: African/African-American, 2.1%; 20 homozygotes.

Submissions (3):

Illumina Laboratory Services, Illumina
Classification: Benign for 3-Oxo-5 alpha-steroid delta 4-dehydrogenase deficiency. Last evaluated: 2017-04-27. Review status: criteria provided, single submitter. Criteria: ICSL Variant Classification Criteria 13 December 2019. Collection method: clinical testing. Allele origin: germline.
Comment: This variant was observed as part of a predisposition screen in an ostensibly healthy population. A literature search was performed for the gene, cDNA change, and amino acid change (where applicable). No publications were found based on this search. Allele frequency data from public databases was too high to be consistent with this variant causing disease. Therefore, this variant is classified as benign.

Breakthrough Genomics
Classification: Benign. Review status: criteria provided, single submitter. Criteria: ACMG Guidelines, 2015. Collection method: not provided. Allele origin: germline. Inheritance: Autosomal recessive inheritance. Affected: yes.

University of Sydney Medical Foundation
No classification provided. Review status: no classification provided. Collection method: not provided. Allele origin: not provided. Not counted in ClinVar's aggregate classification.